The following is an entry in ClinVar:

NM_020347.4(LZTFL1):c.458A>G (p.Glu153Gly)

Gene: LZTFL1 (leucine zipper transcription factor like 1; minus strand). Cytogenetic location: 3p21.31.
Variant type: single nucleotide variant.
Coding change: c.458A>G on transcript NM_020347.4 (MANE Select); coding-DNA position 458, A replaced by G.
Protein change: p.Glu153Gly; replaces glutamic acid 153 with glycine.
Molecular consequence: missense variant. On other transcripts: non-coding transcript variant (2), intron variant (1).
Genome position (GRCh38, 1-based): chr3:45,831,137, T>C on the plus strand (A>G on the coding strand, the complement: LZTFL1 is on the minus strand). VCF-style: chr3-45831137-T-C. GRCh37 (hg19) VCF-style: chr3-45872629-T-C.
Other names: c.407A>G, p.Glu136Gly (NM_001276378.2, NM_001386451.1, NM_001405922.1 and 4 more transcripts); c.446A>G, p.Glu149Gly (NM_001276379.2, NM_001405921.1); c.458A>G, p.Glu153Gly (NM_001386452.1); c.482A>G, p.Glu161Gly (NM_001405920.1, NM_001405925.1); c.457-147A>G (NM_001405924.1); short protein forms E136G, E149G, E153G, E161G.
Identifiers: ClinVar variation 3346072 (VCV003346072.1).
Genomic context (GRCh38, chr3:45,831,137, plus strand): 5'-ATTTCAATGGTCTTCAACCTTGACTTCAATTTCTCATTCTCTTCTTGAAGTCTTAAAATT[T>C]CCTTTGTGAGTAAATTCAAATTTTATTATATTAACCAAAATATTTTAATATTTGAAATTA-3'
Protein context (NP_065080.1, residues 143-163): EGGTAELLNK[Glu153Gly]ILRLQEENEK

ClinVar aggregate classification (germline): Uncertain significance (0 of 4 stars; one submission).

Conditions:
LZTFL1-related disorder. Also called: LZTFL1-related condition.

gnomAD v4.1: 3 of 1,562,236 alleles (0.00019%); highest among the groups gnomAD compares: Admixed American, 0.0038%; 1 homozygote.

Submission:

PreventionGenetics, part of Exact Sciences
Classification: Uncertain significance for LZTFL1-related condition. Last evaluated: 2024-07-25. Review status: no assertion criteria provided. Collection method: clinical testing. Allele origin: germline.
Comment: The LZTFL1 c.458A>G variant is predicted to result in the amino acid substitution p.Glu153Gly. To our knowledge, this variant has not been reported in the literature. This variant is reported in 0.0037% of alleles in individuals of Latino descent in gnomAD. At this time, the clinical significance of this variant is uncertain due to the absence of conclusive functional and genetic evidence.